The following is an entry in ClinVar:

NM_001854.4(COL11A1):c.5291A>G (p.Glu1764Gly)

Gene: COL11A1 (collagen type XI alpha 1 chain; minus strand). Cytogenetic location: 1p21.1.
Variant type: single nucleotide variant.
Coding change: c.5291A>G on transcript NM_001854.4 (MANE Select); coding-DNA position 5291, A replaced by G.
Protein change: p.Glu1764Gly; replaces glutamic acid 1764 with glycine.
Molecular consequence: missense variant. On other transcripts: non-coding transcript variant (1).
Genome position (GRCh38, 1-based): chr1:102,878,149, T>C on the plus strand (A>G on the coding strand, the complement: COL11A1 is on the minus strand). VCF-style: chr1-102878149-T-C. GRCh37 (hg19) VCF-style: chr1-103343705-T-C.
Other names: c.4943A>G, p.Glu1648Gly (NM_001168249.1, NM_080630.4); c.5174A>G, p.Glu1725Gly (NM_001190709.2); c.5327A>G, p.Glu1776Gly (NM_080629.3); short protein forms E1776G, E1648G, E1725G, E1764G.
Identifiers: ClinVar variation 1917774 (VCV001917774.5), dbSNP rs1649734700, ClinGen allele CA341210674.

ClinVar aggregate classification (germline): Uncertain significance (1 of 4 stars; one submission).

Allele frequency attached by ClinVar (database versions not stated): TOPMed below 0.00001; gnomAD 0.00001; gnomAD exomes 0.00003.
gnomAD v4.1: 22 of 1,612,320 alleles (0.0014%); highest among the groups gnomAD compares: Non-Finnish European, 0.0019%; no homozygotes.

Submission:

Labcorp Genetics (formerly Invitae), Labcorp
Classification: Uncertain significance. Last evaluated: 2025-01-20. Review status: criteria provided, single submitter. Criteria: Invitae Variant Classification Sherloc (09022015). Collection method: clinical testing. Allele origin: germline.
Comment: This sequence change replaces glutamic acid, which is acidic and polar, with glycine, which is neutral and non-polar, at codon 1764 of the COL11A1 protein (p.Glu1764Gly). This variant is not present in population databases (gnomAD no frequency). This variant has not been reported in the literature in individuals affected with COL11A1-related conditions. ClinVar contains an entry for this variant (Variation ID: 1917774). Invitae Evidence Modeling of protein sequence and biophysical properties (such as structural, functional, and spatial information, amino acid conservation, physicochemical variation, residue mobility, and thermodynamic stability) indicates that this missense variant is not expected to disrupt COL11A1 protein function with a negative predictive value of 80%. In summary, the available evidence is currently insufficient to determine the role of this variant in disease. Therefore, it has been classified as a Variant of Uncertain Significance.